The following is an entry in ClinVar:

NM_001367479.1(DNAH14):c.12717-5dup

Gene: DNAH14 (dynein axonemal heavy chain 14; plus strand). Cytogenetic location: 1q42.12.
Variant type: Duplication.
Coding change: c.12717-5dup on transcript NM_001367479.1 (MANE Select); 5 bases into the intron before coding-DNA position 12717, one base duplicated (T; older notation c.12717-5dupT).
Molecular consequence: intron variant.
Genome position (GRCh38, 1-based): chr1:225,380,154, T duplicated; the last of 8 consecutive T bases (chr1:225,380,147-225,380,154); duplicating any one gives the same sequence. VCF-style (leftmost placement, unchanged base first): chr1-225380146-G-GT. GRCh37 (hg19) VCF-style: chr1-225567848-G-GT.
Identifiers: ClinVar variation 2639955 (VCV002639955.24), dbSNP rs200182107, ClinGen allele CA1416874.
Genomic context (GRCh38, chr1:225,380,146, plus strand): 5'-TCCTTTAACAAATCTCTCCCCATCTCCCCACTTCCTGTTCTGTGTCTCATTCTTCTCTTG[G>GT]TTTTTTTTGCAGACCTGAGCAGAGTAAGGATGAACTGGTGATGGAAATTCTATCCGACTT-3'

ClinVar aggregate classification (germline): Likely benign (1 of 4 stars; one submission).

Submission:

CeGaT Center for Human Genetics Tuebingen
Classification: Likely benign. Last evaluated: 2024-02-01. Review status: criteria provided, single submitter. Criteria: CeGaT Center For Human Genetics Tuebingen Variant Classification Criteria Version 2. Collection method: clinical testing. Allele origin: germline. Affected: yes. Observed: 2 variant alleles.
Comment: DNAH14: BS2